The following is an entry in ClinVar:

NM_032447.5(FBN3):c.4667G>A (p.Arg1556His)

Gene: FBN3 (fibrillin 3; minus strand). Cytogenetic location: 19p13.2.
Variant type: single nucleotide variant.
Coding change: c.4667G>A on transcript NM_032447.5 (MANE Select); coding-DNA position 4667, G replaced by A.
Protein change: p.Arg1556His; replaces arginine 1556 with histidine.
Molecular consequence: missense variant.
Genome position (GRCh38, 1-based): chr19:8,108,190, C>T on the plus strand (G>A on the coding strand, the complement: FBN3 is on the minus strand). VCF-style: chr19-8108190-C-T. GRCh37 (hg19) VCF-style: chr19-8173074-C-T.
Other names: c.4667G>A, p.Arg1556His (NM_001321431.2); short protein forms R1556H.
Identifiers: ClinVar variation 3612058 (VCV003612058.2).

ClinVar aggregate classification (germline): Uncertain significance (1 of 4 stars; one submission).

gnomAD v4.1: 68 of 1,612,330 alleles (0.0042%); highest among the groups gnomAD compares: Non-Finnish European, 0.0052%; no homozygotes.

Submission:

Labcorp Genetics (formerly Invitae), Labcorp
Classification: Uncertain significance. Last evaluated: 2024-11-19. Review status: criteria provided, single submitter. Criteria: Invitae Variant Classification Sherloc (09022015). Collection method: clinical testing. Allele origin: germline.
Comment: This sequence change replaces arginine, which is basic and polar, with histidine, which is basic and polar, at codon 1556 of the FBN3 protein (p.Arg1556His). This variant is present in population databases (rs773094791, gnomAD 0.004%). This variant has not been reported in the literature in individuals affected with FBN3-related conditions. Invitae Evidence Modeling of protein sequence and biophysical properties (such as structural, functional, and spatial information, amino acid conservation, physicochemical variation, residue mobility, and thermodynamic stability) has been performed for this missense variant. However, the output from this modeling did not meet the statistical confidence thresholds required to predict the impact of this variant on FBN3 protein function. In summary, the available evidence is currently insufficient to determine the role of this variant in disease. Therefore, it has been classified as a Variant of Uncertain Significance.